The following is an entry in ClinVar:

NM_014049.5(ACAD9):c.1823A>T (p.Lys608Met)

Genes: ACAD9 (acyl-CoA dehydrogenase family member 9; plus strand), CFAP92 (cilia and flagella associated protein 92 (putative); minus strand). Cytogenetic location: 3q21.3.
Variant type: single nucleotide variant.
Coding change: c.1823A>T on transcript NM_014049.5 (MANE Select); coding-DNA position 1823, A replaced by T.
Protein change: p.Lys608Met; replaces lysine 608 with methionine.
Molecular consequence: missense variant. On other transcripts: non-coding transcript variant (1), intron variant (3).
Genome position (GRCh38, 1-based): chr3:128,912,564, A>T. VCF-style: chr3-128912564-A-T. GRCh37 (hg19) VCF-style: chr3-128631407-A-T.
Other names: c.1454A>T, p.Lys485Met (NM_001410805.1); c.2312-2231T>A (NM_001348521.2); c.2408-2231T>A (NM_001348520.2); c.3281-2231T>A (NM_001394090.1); short protein forms K608M, K485M.
Identifiers: ClinVar variation 2117405 (VCV002117405.4), dbSNP rs2529107506, ClinGen allele CA354441670.

ClinVar aggregate classification (germline): Uncertain significance (1 of 4 stars; one submission).

Submission:

Labcorp Genetics (formerly Invitae), Labcorp
Classification: Uncertain significance. Last evaluated: 2022-03-26. Review status: criteria provided, single submitter. Criteria: Invitae Variant Classification Sherloc (09022015). Collection method: clinical testing. Allele origin: germline.
Comment: In summary, the available evidence is currently insufficient to determine the role of this variant in disease. Therefore, it has been classified as a Variant of Uncertain Significance. Advanced modeling of protein sequence and biophysical properties (such as structural, functional, and spatial information, amino acid conservation, physicochemical variation, residue mobility, and thermodynamic stability) performed at Invitae indicates that this missense variant is not expected to disrupt ACAD9 protein function. This variant has not been reported in the literature in individuals affected with ACAD9-related conditions. This variant is not present in population databases (gnomAD no frequency). This sequence change replaces lysine, which is basic and polar, with methionine, which is neutral and non-polar, at codon 608 of the ACAD9 protein (p.Lys608Met).